The following is an entry in ClinVar:

ClinVar aggregate classification (germline): Pathogenic (1 of 4 stars; one submission).

Conditions:
Cardiovascular phenotype. Identifiers: MedGen CN230736.
Hereditary cancer-predisposing syndrome. Also called: Neoplastic Syndromes, Hereditary; Tumor predisposition; Hereditary Cancer Syndrome; Hereditary neoplastic syndrome. Identifiers: Orphanet 140162, MedGen C0027672, MeSH D009386, MONDO:0015356.

Submission:

Ambry Genetics
Classification: Pathogenic for Cardiovascular phenotype; Hereditary cancer-predisposing syndrome. Last evaluated: 2026-04-28. Review status: criteria provided, single submitter. Criteria: Ambry Variant Classification Scheme 2023. Collection method: clinical testing. Allele origin: germline.
Comment: The c.1434_1436delAGAinsGG pathogenic mutation, located in coding exon 13 of the NF1 gene, results from the deletion of 3 nucleotides and insertion of two nucleotides causing a translational frameshift with a predicted alternate stop codon (p.K480Nfs*18). This variant was reported in individual(s) with features consistent with neurofibromatosis type 1 (NF1) (Ambry internal data). This variant is considered to be rare based on population cohorts in the Genome Aggregation Database (gnomAD). This alteration is expected to result in loss of function by premature protein truncation or nonsense-mediated mRNA decay. As such, this alteration is interpreted as a disease-causing mutation.

NM_001042492.3(NF1):c.1434_1436delinsGG (p.Lys480fs)

Gene: NF1 (neurofibromin 1; plus strand). Cytogenetic location: 17q11.2.
Variant type: Indel.
Coding change: c.1434_1436delinsGG on transcript NM_001042492.3 (MANE Select); coding-DNA positions 1434 to 1436, AGA replaced by GG.
Protein change: p.Lys480fs; shifts the reading frame from lysine 480.
Molecular consequence: frameshift variant.
Genome position (GRCh38, 1-based): chr17:31,214,492-31,214,494, AGA replaced by GG. VCF-style: chr17-31214492-AGA-GG. GRCh37 (hg19) VCF-style: chr17-29541510-AGA-GG.
Other names: c.1434_1436delinsGG, p.Lys480fs (NM_000267.4, NM_001128147.3); short protein forms K480fs.
Identifiers: ClinVar variation 4860946 (VCV004860946.1).